The following is an entry in ClinVar:

NM_000426.4(LAMA2):c.6133A>G (p.Asn2045Asp)

Genes: LAMA2 (laminin subunit alpha 2; plus strand), LOC123864065 (Sharpr-MPRA regulatory region 661; plus strand). Cytogenetic location: 6q22.33.
Variant type: single nucleotide variant.
Coding change: c.6133A>G on transcript NM_000426.4 (MANE Select); coding-DNA position 6133, A replaced by G.
Protein change: p.Asn2045Asp; replaces asparagine 2045 with aspartic acid.
Molecular consequence: missense variant.
Genome position (GRCh38, 1-based): chr6:129,440,863, A>G. VCF-style: chr6-129440863-A-G. GRCh37 (hg19) VCF-style: chr6-129762008-A-G.
Other names: c.6133A>G, p.Asn2045Asp (NM_001079823.2); short protein forms N2045D.
Identifiers: ClinVar variation 355284 (VCV000355284.9), dbSNP rs886061053, ClinGen allele CA10622904.
Genomic context (GRCh38, chr6:129,440,863, plus strand): 5'-CATCTGCTGACAGATACAGCTGCTAAACTGCAAGCTGTTAAGGACAAAGCCAGACAAGCC[A>G]ACGACACAGCTAAAGATGTACTGGCACAGATTACAGAGCTCCACCAGAACCTCGATGGCC-3'
Protein context (NP_000417.3, residues 2035-2055): QAVKDKARQA[Asn2045Asp]DTAKDVLAQI

ClinVar aggregate classification (germline): Uncertain significance. Review status: criteria provided, multiple submitters, no conflicts (2 of 4 stars). 3 submissions from 3 submitters: Uncertain significance (3). Last evaluated 2025-01-06.

Conditions:
Congenital muscular dystrophy due to partial LAMA2 deficiency. Identifiers: MedGen C1842898.
LAMA2-related muscular dystrophy (LAMA2-RD). Also called: Laminin alpha 2-related dystrophy. Identifiers: MedGen C5679788, MONDO:0100228.

Allele frequency attached by ClinVar (database versions not stated): TOPMed below 0.00001; gnomAD exomes 0.00001.
gnomAD v4.1: 4 of 1,614,016 alleles (0.00025%); highest among the groups gnomAD compares: Non-Finnish European, 0.00034%; no homozygotes.

Submissions (3):

Labcorp Genetics (formerly Invitae), Labcorp
Classification: Uncertain significance for LAMA2-related muscular dystrophy. Last evaluated: 2025-01-06. Review status: criteria provided, single submitter. Criteria: Invitae Variant Classification Sherloc (09022015). Collection method: clinical testing. Allele origin: germline.
Comment: This sequence change replaces asparagine, which is neutral and polar, with aspartic acid, which is acidic and polar, at codon 2045 of the LAMA2 protein (p.Asn2045Asp). This variant is not present in population databases (gnomAD no frequency). This variant has not been reported in the literature in individuals affected with LAMA2-related conditions. ClinVar contains an entry for this variant (Variation ID: 355284). Invitae Evidence Modeling of protein sequence and biophysical properties (such as structural, functional, and spatial information, amino acid conservation, physicochemical variation, residue mobility, and thermodynamic stability) indicates that this missense variant is not expected to disrupt LAMA2 protein function with a negative predictive value of 95%. In summary, the available evidence is currently insufficient to determine the role of this variant in disease. Therefore, it has been classified as a Variant of Uncertain Significance.

Blueprint Genetics
Classification: Uncertain significance. Last evaluated: 2024-09-04. Review status: criteria provided, single submitter. Criteria: ACMG Guidelines, 2015. Collection method: clinical testing. Allele origin: germline.

Illumina Laboratory Services, Illumina
Classification: Uncertain significance for Congenital muscular dystrophy due to partial LAMA2 deficiency. Last evaluated: 2018-01-13. Review status: criteria provided, single submitter. Criteria: ICSL Variant Classification Criteria 13 December 2019. Collection method: clinical testing. Allele origin: germline.